The following is an entry in ClinVar:

del(15)(q15.1-q15.3)

Variant type: Deletion.
Other names: del(15)(q15.1_q15.3).
Identifiers: ClinVar variation 41402 (VCV000041402.3).

ClinVar aggregate classification (germline): Pathogenic (0 of 4 stars; one submission).

Conditions:
Deafness-infertility syndrome. Also called: Deafness and male infertility. Identifiers: Orphanet 94064, MedGen C1970187, MONDO:0012621, OMIM 611102.

Submission:

GeneReviews
Classification: Pathogenic for CATSPER-Related Male Infertility. Last evaluated: 2012-08-09. Review status: no assertion criteria provided. Collection method: curation. Allele origin: unknown.
ClinVar note: Converted during submission from pathologic to Pathogenic.